The following is an entry in ClinVar:

ClinVar aggregate classification (germline): Uncertain significance (1 of 4 stars; one submission).

Conditions:
Familial sleep-related hypermotor epilepsy. Also called: Autosomal Dominant Sleep-Related Hypermotor (Hyperkinetic) Epilepsy. Identifiers: Orphanet 98784, MedGen C3696898, MONDO:0000030.

Allele frequency attached by ClinVar (database versions not stated): TOPMed below 0.00001; gnomAD 0.00001.
gnomAD v4.1: 9 of 1,543,996 alleles (0.00058%); highest among the groups gnomAD compares: Non-Finnish European, 0.0007%; no homozygotes.

Submission:

Labcorp Genetics (formerly Invitae), Labcorp
Classification: Uncertain significance for Familial sleep-related hypermotor epilepsy. Last evaluated: 2022-08-23. Review status: criteria provided, single submitter. Criteria: Invitae Variant Classification Sherloc (09022015). Collection method: clinical testing. Allele origin: germline.
Comment: This sequence change replaces aspartic acid, which is acidic and polar, with asparagine, which is neutral and polar, at codon 5 of the PRIMA1 protein (p.Asp5Asn). This variant is not present in population databases (gnomAD no frequency). This variant has not been reported in the literature in individuals affected with PRIMA1-related conditions. ClinVar contains an entry for this variant (Variation ID: 1404346). Algorithms developed to predict the effect of missense changes on protein structure and function are either unavailable or do not agree on the potential impact of this missense change (SIFT: "Deleterious"; PolyPhen-2: "Probably Damaging"; Align-GVGD: "Class C0"). In summary, the available evidence is currently insufficient to determine the role of this variant in disease. Therefore, it has been classified as a Variant of Uncertain Significance.

NM_178013.4(PRIMA1):c.13G>A (p.Asp5Asn)

Gene: PRIMA1 (proline rich membrane anchor 1; minus strand). Cytogenetic location: 14q32.12.
Variant type: single nucleotide variant.
Coding change: c.13G>A on transcript NM_178013.4 (MANE Select); coding-DNA position 13, G replaced by A.
Protein change: p.Asp5Asn; replaces aspartic acid 5 with asparagine.
Molecular consequence: missense variant.
Genome position (GRCh38, 1-based): chr14:93,787,706, C>T on the plus strand (G>A on the coding strand, the complement: PRIMA1 is on the minus strand). VCF-style: chr14-93787706-C-T. GRCh37 (hg19) VCF-style: chr14-94254052-C-T.
Other names: short protein forms D5N.
Identifiers: ClinVar variation 1404346 (VCV001404346.3), dbSNP rs1457017587, ClinGen allele CA391147066.